The following is an entry in ClinVar:

NM_032776.3(JMJD1C):c.2123A>G (p.Asn708Ser)

Gene: JMJD1C (jumonji domain containing 1C; minus strand). Cytogenetic location: 10q21.3.
Variant type: single nucleotide variant.
Coding change: c.2123A>G on transcript NM_032776.3 (MANE Select); coding-DNA position 2123, A replaced by G.
Protein change: p.Asn708Ser; replaces asparagine 708 with serine.
Molecular consequence: missense variant. On other transcripts: non-coding transcript variant (1).
Genome position (GRCh38, 1-based): chr10:63,214,044, T>C on the plus strand (A>G on the coding strand, the complement: JMJD1C is on the minus strand). VCF-style: chr10-63214044-T-C. GRCh37 (hg19) VCF-style: chr10-64973804-T-C.
Other names: c.1577A>G, p.Asn526Ser (NM_001282948.2, NM_001318154.2); c.1259A>G, p.Asn420Ser (NM_001318153.2); c.2009A>G, p.Asn670Ser (NM_001322252.2); c.1466A>G, p.Asn489Ser (NM_001322254.2, NM_001322258.2); short protein forms N420S, N526S, N489S, N670S, N708S.
Identifiers: ClinVar variation 1047374 (VCV001047374.9), dbSNP rs558454053, ClinGen allele CA5518680.
Genomic context (GRCh38, chr10:63,214,044, plus strand): 5'-TGATTAGCTCCTGTTTCTGACCCAATAAGTGCAGGATCTCTGTAAACTGTAAAATGCTCA[T>C]TTTTATCAATGATAAGAGGACTCTTTGTAGTTTCTAATGTACTGCTTCGAGTAGGAATTG-3'
Protein context (NP_116165.1, residues 698-718): TTKSPLIIDK[Asn708Ser]EHFTVYRDPA

ClinVar aggregate classification (germline): Uncertain significance (1 of 4 stars; one submission).

Conditions:
Early Myoclonic Encephalopathy. Identifiers: MedGen C0270855.

Allele frequency attached by ClinVar (database versions not stated): 1000 Genomes Project 30x 0.00016; TOPMed 0.00002; ExAC 0.00003; 1000 Genomes Project 0.00020.
gnomAD v4.1: 23 of 1,614,180 alleles (0.0014%); highest among the groups gnomAD compares: Non-Finnish European, 0.0019%; no homozygotes.

Submission:

Labcorp Genetics (formerly Invitae), Labcorp
Classification: Uncertain significance for Early Myoclonic Encephalopathy. Last evaluated: 2024-10-15. Review status: criteria provided, single submitter. Criteria: Invitae Variant Classification Sherloc (09022015). Collection method: clinical testing. Allele origin: germline.
Comment: This sequence change replaces asparagine, which is neutral and polar, with serine, which is neutral and polar, at codon 708 of the JMJD1C protein (p.Asn708Ser). This variant is present in population databases (rs558454053, gnomAD 0.006%). This variant has not been reported in the literature in individuals affected with JMJD1C-related conditions. ClinVar contains an entry for this variant (Variation ID: 1047374). Invitae Evidence Modeling of protein sequence and biophysical properties (such as structural, functional, and spatial information, amino acid conservation, physicochemical variation, residue mobility, and thermodynamic stability) indicates that this missense variant is expected to disrupt JMJD1C protein function with a positive predictive value of 80%. Algorithms developed to predict the effect of sequence changes on RNA splicing suggest that this variant may create or strengthen a splice site. In summary, the available evidence is currently insufficient to determine the role of this variant in disease. Therefore, it has been classified as a Variant of Uncertain Significance.